The following is an entry in ClinVar:

ClinVar aggregate classification (germline): Uncertain significance (1 of 4 stars; one submission).

Submission:

Ambry Genetics
Classification: Uncertain significance. Last evaluated: 2024-02-29. Review status: criteria provided, single submitter. Criteria: Ambry Variant Classification Scheme 2023. Collection method: clinical testing. Allele origin: germline.
Comment: The p.E2135K variant (also known as c.6403G>A), located in coding exon 20 of the POLQ gene, results from a G to A substitution at nucleotide position 6403. The glutamic acid at codon 2135 is replaced by lysine, an amino acid with similar properties. This amino acid position is conserved. In addition, this alteration is predicted to be tolerated by in silico analysis. Since supporting evidence is limited at this time, the clinical significance of this alteration remains unclear.

NM_199420.4(POLQ):c.6403G>A (p.Glu2135Lys)

Gene: POLQ (DNA polymerase theta; minus strand). Cytogenetic location: 3q13.33.
Variant type: single nucleotide variant.
Coding change: c.6403G>A on transcript NM_199420.4 (MANE Select); coding-DNA position 6403, G replaced by A.
Protein change: p.Glu2135Lys; replaces glutamic acid 2135 with lysine.
Molecular consequence: missense variant.
Genome position (GRCh38, 1-based): chr3:121,476,542, C>T on the plus strand (G>A on the coding strand, the complement: POLQ is on the minus strand). VCF-style: chr3-121476542-C-T. GRCh37 (hg19) VCF-style: chr3-121195389-C-T.
Other names: short protein forms E2135K.
Identifiers: ClinVar variation 1753347 (VCV001753347.2), dbSNP rs2546776966, ClinGen allele CA354086774.